The following is an entry in ClinVar:

NM_024105.4(ALG12):c.861del (p.Thr288fs)

Gene: ALG12 (ALG12 alpha-1,6-mannosyltransferase; minus strand). Cytogenetic location: 22q13.33.
Variant type: Deletion.
Coding change: c.861del on transcript NM_024105.4 (MANE Select); coding-DNA position 861, one base deleted (G; older notation c.861delG).
Protein change: p.Thr288fs; shifts the reading frame from threonine 288.
Molecular consequence: frameshift variant.
Genome position (GRCh38, 1-based): chr22:49,907,852, C deleted on the plus strand (G on the coding strand, the reverse complement: ALG12 is on the minus strand); the first of 2 consecutive C bases (chr22:49,907,852-49,907,853); deleting either gives the same sequence. VCF-style (leftmost placement, unchanged base first): chr22-49907851-TC-T. GRCh37 (hg19) VCF-style: chr22-50301499-TC-T.
Other names: short protein forms T288fs.
Identifiers: ClinVar variation 4697444 (VCV004697444.1).

ClinVar aggregate classification (germline): Pathogenic (1 of 4 stars; one submission).

Conditions:
ALG12-congenital disorder of glycosylation (CDG1G). Also called: ALG12-CDG; CDG Ig; Congenital disorder of glycosylation, type Ig. Identifiers: Orphanet 79324, MedGen C2931001, MONDO:0011783, OMIM 607143.

Submission:

Labcorp Genetics (formerly Invitae), Labcorp
Classification: Pathogenic for ALG12-congenital disorder of glycosylation. Last evaluated: 2025-03-22. Review status: criteria provided, single submitter. Criteria: Invitae Variant Classification Sherloc (09022015). Collection method: clinical testing. Allele origin: germline.
Comment: This sequence change creates a premature translational stop signal (p.Thr288Argfs*45) in the ALG12 gene. It is expected to result in an absent or disrupted protein product. Loss-of-function variants in ALG12 are known to be pathogenic (PMID: 15639192, 31481313). This variant is not present in population databases (gnomAD no frequency). This variant has not been reported in the literature in individuals affected with ALG12-related conditions. For these reasons, this variant has been classified as Pathogenic.

Literature cited by the submitters: PubMed 15639192; PubMed 31481313.